The following is an entry in ClinVar:

ClinVar aggregate classification (germline): Uncertain significance (1 of 4 stars; one submission).

Allele frequency attached by ClinVar (database versions not stated): ExAC 0.00002; gnomAD 0.00002 and 0.00003; gnomAD exomes 0.00002 and 0.00006; TOPMed 0.00002; 1000 Genomes Project 30x 0.00016; 1000 Genomes Project 0.00020.
gnomAD v4.1: 35 of 1,613,574 alleles (0.0022%); highest among the groups gnomAD compares: Middle Eastern, 0.15%; no homozygotes.

Submission:

Labcorp Genetics (formerly Invitae), Labcorp
Classification: Uncertain significance. Last evaluated: 2024-05-15. Review status: criteria provided, single submitter. Criteria: Invitae Variant Classification Sherloc (09022015). Collection method: clinical testing. Allele origin: germline.
Comment: This sequence change replaces serine, which is neutral and polar, with leucine, which is neutral and non-polar, at codon 2900 of the HTT protein (p.Ser2900Leu). This variant is present in population databases (rs201699939, gnomAD 0.01%). This variant has not been reported in the literature in individuals affected with HTT-related conditions. ClinVar contains an entry for this variant (Variation ID: 1379002). Experimental studies and prediction algorithms are not available or were not evaluated, and the functional significance of this variant is currently unknown. In summary, the available evidence is currently insufficient to determine the role of this variant in disease. Therefore, it has been classified as a Variant of Uncertain Significance.

NM_001388492.1(HTT):c.8693C>T (p.Ser2898Leu)

Gene: HTT (huntingtin; plus strand). Cytogenetic location: 4p16.3.
Variant type: single nucleotide variant.
Coding change: c.8693C>T on transcript NM_001388492.1 (MANE Select); coding-DNA position 8693, C replaced by T.
Protein change: p.Ser2898Leu; replaces serine 2898 with leucine.
Molecular consequence: missense variant.
Genome position (GRCh38, 1-based): chr4:3,235,686, C>T. VCF-style: chr4-3235686-C-T. GRCh37 (hg19) VCF-style: chr4-3237413-C-T.
Other names: c.8699C>T, p.Ser2900Leu (NM_002111.8); short protein forms S2898L, S2900L.
Identifiers: ClinVar variation 1379002 (VCV001379002.6), dbSNP rs201699939, ClinGen allele CA2825768.
Genomic context (GRCh38, chr4:3,235,686, plus strand): 5'-CCCTCAGAGGCCTGGAGCGCCTCCTGCTCTCTGAGCAGCTCTCCCGCCTGGATGCAGAAT[C>T]GCTGGTCAAGCTGAGTGTGGACAGAGTGAACGTGCACAGCCCGCACCGGGCCATGGCGGC-3'
Protein context (NP_001375421.1, residues 2888-2908): SEQLSRLDAE[Ser2898Leu]LVKLSVDRVN